The following is an entry in ClinVar:

ClinVar aggregate classification (germline): Conflicting classifications of pathogenicity. Review status: criteria provided, conflicting classifications (1 of 4 stars). 3 submissions from 3 submitters: Uncertain significance (2); Likely benign (1). Last evaluated 2022-03-17.

Allele frequency attached by ClinVar (database versions not stated): ExAC 0.00003; gnomAD 0.00001; ESP Exome Variant Server 0.00008; gnomAD exomes 0.00001; TOPMed 0.00001.
gnomAD v4.1: 8 of 1,613,990 alleles (0.0005%); highest among the groups gnomAD compares: Non-Finnish European, 0.00051%; no homozygotes.

Submissions (3):

Labcorp Genetics (formerly Invitae), Labcorp
Classification: Uncertain significance. Last evaluated: 2022-03-17. Review status: criteria provided, single submitter. Criteria: Invitae Variant Classification Sherloc (09022015). Collection method: clinical testing. Allele origin: germline.
Comment: In summary, the available evidence is currently insufficient to determine the role of this variant in disease. Therefore, it has been classified as a Variant of Uncertain Significance. Algorithms developed to predict the effect of missense changes on protein structure and function output the following: SIFT: "Tolerated"; PolyPhen-2: "Benign"; Align-GVGD: "Class C0". The phenylalanine amino acid residue is found in multiple mammalian species, which suggests that this missense change does not adversely affect protein function. ClinVar contains an entry for this variant (Variation ID: 561894). This variant has not been reported in the literature in individuals affected with A2ML1-related conditions. This variant is present in population databases (rs371934378, gnomAD 0.005%). This sequence change replaces leucine, which is neutral and non-polar, with phenylalanine, which is neutral and non-polar, at codon 1083 of the A2ML1 protein (p.Leu1083Phe).

Ambry Genetics
Classification: Uncertain significance. Last evaluated: 2022-03-04. Review status: criteria provided, single submitter. Criteria: Ambry Variant Classification Scheme 2023. Collection method: clinical testing. Allele origin: germline.
Comment: The p.L1083F variant (also known as c.3247C>T), located in coding exon 26 of the A2ML1 gene, results from a C to T substitution at nucleotide position 3247. The leucine at codon 1083 is replaced by phenylalanine, an amino acid with highly similar properties. This amino acid position is conserved. In addition, this alteration is predicted to be tolerated by in silico analysis. Since supporting evidence is limited at this time, the clinical significance of this alteration remains unclear.

GeneDx
Classification: Likely benign. Last evaluated: 2019-10-08. Review status: criteria provided, single submitter. Criteria: GeneDx Variant Classification Process June 2021. Collection method: clinical testing. Allele origin: germline. Affected: yes.

NM_144670.6(A2ML1):c.3247C>T (p.Leu1083Phe)

Gene: A2ML1 (alpha-2-macroglobulin like 1; plus strand). Cytogenetic location: 12p13.31.
Variant type: single nucleotide variant.
Coding change: c.3247C>T on transcript NM_144670.6 (MANE Select); coding-DNA position 3247, C replaced by T.
Protein change: p.Leu1083Phe; replaces leucine 1083 with phenylalanine.
Molecular consequence: missense variant.
Genome position (GRCh38, 1-based): chr12:8,858,085, C>T. VCF-style: chr12-8858085-C-T. GRCh37 (hg19) VCF-style: chr12-9010681-C-T.
Other names: c.1774C>T, p.Leu592Phe (NM_001282424.3); short protein forms L1083F, L592F.
Identifiers: ClinVar variation 561894 (VCV000561894.10), dbSNP rs371934378, ClinGen allele CA6436297.